The following is an entry in ClinVar:

NM_000094.4(COL7A1):c.2743G>T (p.Glu915Ter)

Gene: COL7A1 (collagen type VII alpha 1 chain; minus strand). Cytogenetic location: 3p21.31.
Variant type: single nucleotide variant.
Coding change: c.2743G>T on transcript NM_000094.4 (MANE Select); coding-DNA position 2743, G replaced by T.
Protein change: p.Glu915Ter; replaces glutamic acid 915 with a stop codon.
Molecular consequence: nonsense.
Genome position (GRCh38, 1-based): chr3:48,587,907, C>A on the plus strand (G>T on the coding strand, the complement: COL7A1 is on the minus strand). VCF-style: chr3-48587907-C-A. GRCh37 (hg19) VCF-style: chr3-48625340-C-A.
Other names: short protein forms E915*.
Identifiers: ClinVar variation 1450244 (VCV001450244.8), dbSNP rs747337505, ClinGen allele CA352716415.
Genomic context (GRCh38, chr3:48,587,907, plus strand): 5'-TCAGCCTCACGCGGTACTGTGTCGCTGGCTCCAGCCCGTCCAGGTGATAGCTGCTGAGCT[C>A]GGGCCCCAGGACCCGGGACTGTTCCTGGCCACCTGGGGCAGGCGTGAGGGTGGGGGCCAA-3'

ClinVar aggregate classification (germline): Pathogenic (1 of 4 stars; one submission).

Submission:

Labcorp Genetics (formerly Invitae), Labcorp
Classification: Pathogenic. Last evaluated: 2023-08-16. Review status: criteria provided, single submitter. Criteria: Invitae Variant Classification Sherloc (09022015). Collection method: clinical testing. Allele origin: germline.
Comment: For these reasons, this variant has been classified as Pathogenic. ClinVar contains an entry for this variant (Variation ID: 1450244). This premature translational stop signal has been observed in individual(s) with autosomal recessive dystrophic epidermolysis bullosa (PMID: 16971478). This variant is not present in population databases (gnomAD no frequency). This sequence change creates a premature translational stop signal (p.Glu915*) in the COL7A1 gene. It is expected to result in an absent or disrupted protein product. Loss-of-function variants in COL7A1 are known to be pathogenic (PMID: 16971478).

Literature cited by the submitters: PubMed 16971478.